The following is an entry in ClinVar:

GRCh38/hg38 7q33(chr7:137503052-137933425)x3

Genes: CREB3L2 (cAMP responsive element binding protein 3 like 2; minus strand), DGKI (diacylglycerol kinase iota; minus strand), LOC123956233 (Sharpr-MPRA regulatory region 15617; plus strand), LOC123956234 (Sharpr-MPRA regulatory region 13047; plus strand), LOC123956235 (Sharpr-MPRA regulatory region 739; plus strand) and 10 more. Cytogenetic location: 7q33.
Variant type: copy number gain.
Change: copy number 3 (three copies instead of two) of chr7:137,503,052-137,933,425 (430.4 kb, GRCh38 coordinates, 1-based), cytogenetic band 7q33.
Identifiers: ClinVar variation 4755372 (VCV004755372.1).

ClinVar aggregate classification (germline): Uncertain significance (1 of 4 stars; one submission).

Submission:

Clinical Genomics Laboratory, Laboratory for Precision Diagnostics, University of Washington
Classification: Uncertain significance. Last evaluated: 2021-11-10. Review status: criteria provided, single submitter. Criteria: ACMG/ClinGen CNV Guidelines, 2019. Collection method: clinical testing. Allele origin: unknown. Affected: yes. Observed: 1 variant allele.
Comment: The classification of this duplication is uncertain, per ACMGG interpretation standards. It affects protein-coding elements (Section 1, 0 points) but doesn’t overlap any known dosage sensitive genes or regions (Section 2, 0 points). Two protein-coding genes are affected by the duplication (Section 3, 0 points). A review of public databases (ClinVar, DECIPHER) and the medical literature shows no informative patients with a similar duplication (Section 4, 0 points). A similar duplication appears in the Database of Genomic Variants (DGV nsv1022793 seen in 1 of 29,084 people) but not in gnomAD (Section 4O, 0 points). Parental testing has not been done (Section 5, 0 points).